The following is an entry in ClinVar:

NM_001365999.1(SZT2):c.9760G>A (p.Glu3254Lys)

Genes: SZT2 (SZT2 subunit of KICSTOR complex; plus strand), SZT2-AS1 (SZT2 antisense RNA 1; minus strand). Cytogenetic location: 1p34.2.
Variant type: single nucleotide variant.
Coding change: c.9760G>A on transcript NM_001365999.1 (MANE Select); coding-DNA position 9760, G replaced by A.
Protein change: p.Glu3254Lys; replaces glutamic acid 3254 with lysine.
Molecular consequence: missense variant. On other transcripts: non-coding transcript variant (1).
Genome position (GRCh38, 1-based): chr1:43,448,275, G>A. VCF-style: chr1-43448275-G-A. GRCh37 (hg19) VCF-style: chr1-43913946-G-A.
Other names: c.9589G>A, p.Glu3197Lys (NM_015284.4); short protein forms E3197K, E3254K.
Identifiers: ClinVar variation 999582 (VCV000999582.8), dbSNP rs1221822304, ClinGen allele CA340044529.
Genomic context (GRCh38, chr1:43,448,275, plus strand): 5'-GAGGCCTCAGGGCTTATTCTAGCGCCTGGACCGGCTCCTCTGTTCCCACCACTGGCTGCA[G>A]AGGTGGGCATGGCACGAGCACGGCTGGCTCAGCTGGTGCGGCTGGCTGGAGGGCACTGCC-3'
Protein context (NP_001352928.1, residues 3244-3264): PAPLFPPLAA[Glu3254Lys]VGMARARLAQ

ClinVar aggregate classification (germline): Uncertain significance. Review status: criteria provided, multiple submitters, no conflicts (2 of 4 stars). 2 submissions from 2 submitters: Uncertain significance (2). Last evaluated 2024-10-29.

Allele frequency attached by ClinVar (database versions not stated): gnomAD 0.00001; gnomAD exomes 0.00001.
gnomAD v4.1: 5 of 1,569,018 alleles (0.00032%); highest among the groups gnomAD compares: Non-Finnish European, 0.00035%; no homozygotes.

Submissions (2):

Labcorp Genetics (formerly Invitae), Labcorp
Classification: Uncertain significance. Last evaluated: 2024-10-29. Review status: criteria provided, single submitter. Criteria: Invitae Variant Classification Sherloc (09022015). Collection method: clinical testing. Allele origin: germline.
Comment: This sequence change replaces glutamic acid, which is acidic and polar, with lysine, which is basic and polar, at codon 3197 of the SZT2 protein (p.Glu3197Lys). This variant is not present in population databases (gnomAD no frequency). This variant has not been reported in the literature in individuals affected with SZT2-related conditions. ClinVar contains an entry for this variant (Variation ID: 999582). Invitae Evidence Modeling of protein sequence and biophysical properties (such as structural, functional, and spatial information, amino acid conservation, physicochemical variation, residue mobility, and thermodynamic stability) indicates that this missense variant is expected to disrupt SZT2 protein function with a positive predictive value of 80%. In summary, the available evidence is currently insufficient to determine the role of this variant in disease. Therefore, it has been classified as a Variant of Uncertain Significance.

Blueprint Genetics
Classification: Uncertain significance. Last evaluated: 2023-06-26. Review status: criteria provided, single submitter. Criteria: ACMG Guidelines, 2015. Collection method: clinical testing. Allele origin: germline.